The following is an entry in ClinVar:

ClinVar aggregate classification (germline): Likely benign (0 of 4 stars; one submission).

Conditions:
SORT1-related disorder. Also called: SORT1-related condition.

Allele frequency attached by ClinVar (database versions not stated): TOPMed 0.00014; gnomAD 0.00017; 1000 Genomes Project 0.00020; gnomAD exomes 0.00022; ESP Exome Variant Server 0.00023; 1000 Genomes Project 30x 0.00031; ExAC 0.00032.
gnomAD v4.1: 340 of 1,601,218 alleles (0.021%); highest among the groups gnomAD compares: East Asian, 0.31%; 1 homozygote.

Submission:

PreventionGenetics, part of Exact Sciences
Classification: Likely benign for SORT1-related condition. Last evaluated: 2019-08-20. Review status: no assertion criteria provided. Collection method: clinical testing. Allele origin: germline.
Comment: This variant is classified as likely benign based on ACMG/AMP sequence variant interpretation guidelines (Richards et al. 2015 PMID: 25741868, with internal and published modifications).

NM_002959.7(SORT1):c.2241G>A (p.Pro747=)

Gene: SORT1 (sortilin 1; minus strand). Cytogenetic location: 1p13.3.
Variant type: single nucleotide variant.
Coding change: c.2241G>A on transcript NM_002959.7 (MANE Select); coding-DNA position 2241, G replaced by A.
Protein change: p.Pro747=; no amino-acid change (proline 747 retained).
Molecular consequence: synonymous variant.
Genome position (GRCh38, 1-based): chr1:109,316,859, C>T on the plus strand (G>A on the coding strand, the complement: SORT1 is on the minus strand). VCF-style: chr1-109316859-C-T. GRCh37 (hg19) VCF-style: chr1-109859481-C-T.
Other names: c.1830G>A, p.Pro610= (NM_001205228.2).
Identifiers: ClinVar variation 3053467 (VCV003053467.2), dbSNP rs374355693, ClinGen allele CA989669.